The following is an entry in ClinVar:

NM_000038.6(APC):c.7984G>C (p.Glu2662Gln)

Gene: APC (APC regulator of Wnt signaling pathway; plus strand). Cytogenetic location: 5q22.2.
Variant type: single nucleotide variant.
Coding change: c.7984G>C on transcript NM_000038.6 (MANE Select); coding-DNA position 7984, G replaced by C.
Protein change: p.Glu2662Gln; replaces glutamic acid 2662 with glutamine.
Molecular consequence: missense variant.
Genome position (GRCh38, 1-based): chr5:112,843,578, G>C. VCF-style: chr5-112843578-G-C. GRCh37 (hg19) VCF-style: chr5-112179275-G-C.
Other names: c.7984G>C (NM_000038.5); c.7984G>C, p.Glu2662Gln (NM_001127510.3, NM_001354895.2); c.7930G>C, p.Glu2644Gln (NM_001127511.3); c.8038G>C, p.Glu2680Gln (NM_001354896.2); c.8014G>C, p.Glu2672Gln (NM_001354897.2); c.7909G>C, p.Glu2637Gln (NM_001354898.2); c.7900G>C, p.Glu2634Gln (NM_001354899.2); c.7861G>C, p.Glu2621Gln (NM_001354900.2); and 6 more; short protein forms E2379Q, E2502Q, E2536Q, E2561Q, E2571Q, E2603Q, E2621Q, E2634Q.
Identifiers: ClinVar variation 1692406 (VCV001692406.7), dbSNP rs1170745005, ClinGen allele CA16038670.

ClinVar aggregate classification (germline): Uncertain significance. Review status: criteria provided, multiple submitters, no conflicts (2 of 4 stars). 5 submissions from 5 submitters: Uncertain significance (5). Last evaluated 2025-04-05.

Conditions:
Classic or attenuated familial adenomatous polyposis. Identifiers: MedGen CN372698, MONDO:0021057.
Hereditary cancer-predisposing syndrome. Also called: Hereditary Cancer Syndrome; Hereditary neoplastic syndrome; Neoplastic Syndromes, Hereditary; Tumor predisposition. Identifiers: Orphanet 140162, MedGen C0027672, MeSH D009386, MONDO:0015356.
Familial adenomatous polyposis 1 (FAP1). Also called: FAMILIAL ADENOMATOUS POLYPOSIS 1, ATTENUATED; POLYPOSIS, ADENOMATOUS INTESTINAL. Identifiers: MedGen C2713442, MONDO:0021056, OMIM 175100. Disease mechanism: loss of function.

Allele frequency attached by ClinVar (database versions not stated): gnomAD exomes below 0.00001.
gnomAD v4.1: 1 of 1,613,928 alleles (0.000062%); highest among the groups gnomAD compares: Admixed American, 0.0017%; no homozygotes.

Submissions (5):

Ambry Genetics
Classification: Uncertain significance for Hereditary cancer-predisposing syndrome. Last evaluated: 2025-04-05. Review status: criteria provided, single submitter. Criteria: Ambry Variant Classification Scheme 2023. Collection method: clinical testing. Allele origin: germline.
Comment: The p.E2662Q variant (also known as c.7984G>C), located in coding exon 15 of the APC gene, results from a G to C substitution at nucleotide position 7984. The glutamic acid at codon 2662 is replaced by glutamine, an amino acid with highly similar properties. This amino acid position is conserved. In addition, in silico predictors for this gene do not accurately predict pathogenicity. Based on the available evidence, the clinical significance of this variant remains unclear.

All of Us Research Program, National Institutes of Health
Classification: Uncertain significance for Classic or attenuated familial adenomatous polyposis. Last evaluated: 2024-09-23. Review status: criteria provided, single submitter. Criteria: ACMG Guidelines, 2015. Collection method: clinical testing. Allele origin: germline. Inheritance: Autosomal dominant inheritance. Observed: 2 variant alleles, 2 heterozygotes.
Comment: This missense variant replaces glutamic acid with glutamine at codon 2662 of the APC protein. Computational prediction is inconclusive regarding the impact of this variant on protein structure and function (internally defined REVEL score threshold 0.5 < inconclusive < 0.7, PMID: 27666373). To our knowledge, functional studies have not been reported for this variant. This variant has not been reported in individuals affected with APC-related disorders in the literature. This variant has been identified in 1/251168 chromosomes in the general population by the Genome Aggregation Database (gnomAD). The available evidence is insufficient to determine the role of this variant in disease conclusively. Therefore, this variant is classified as a Variant of Uncertain Significance.

This study involves interpretation of variants in research participants for the purpose of population health screening. Participant phenotype was not available at the time of variant classification. Additional details can be found in publication PMID: 35346344, PMCID: PMC8962531

Labcorp Genetics (formerly Invitae), Labcorp
Classification: Uncertain significance for Familial adenomatous polyposis 1. Last evaluated: 2024-08-12. Review status: criteria provided, single submitter. Criteria: Invitae Variant Classification Sherloc (09022015). Collection method: clinical testing. Allele origin: germline.
Comment: This sequence change replaces glutamic acid, which is acidic and polar, with glutamine, which is neutral and polar, at codon 2662 of the APC protein (p.Glu2662Gln). This variant is present in population databases (no rsID available, gnomAD 0.003%). This variant has not been reported in the literature in individuals affected with APC-related conditions. ClinVar contains an entry for this variant (Variation ID: 1692406). Advanced modeling of protein sequence and biophysical properties (such as structural, functional, and spatial information, amino acid conservation, physicochemical variation, residue mobility, and thermodynamic stability) performed at Invitae indicates that this missense variant is not expected to disrupt APC protein function with a negative predictive value of 95%. In summary, the available evidence is currently insufficient to determine the role of this variant in disease. Therefore, it has been classified as a Variant of Uncertain Significance.

Quest Diagnostics Nichols Institute San Juan Capistrano
Classification: Uncertain significance. Last evaluated: 2024-07-23. Review status: criteria provided, single submitter. Criteria: Quest Diagnostics criteria. Collection method: clinical testing. Allele origin: unknown.
Comment: The APC c.7984G>C (p.Glu2662Gln) variant has not been reported in individuals with APC-related conditions in the published literature. The frequency of this variant in the general population, 0.000004 (1/251168 chromosomes (Genome Aggregation Database)), is uninformative in the assessment of its pathogenicity. Analysis of this variant using bioinformatics tools for the prediction of the effect of amino acid changes on protein structure and function yielded predictions that this variant is damaging. Based on the available information, we are unable to determine the clinical significance of this variant.

Sema4
Classification: Uncertain significance for Hereditary cancer-predisposing syndrome. Last evaluated: 2021-10-25. Review status: criteria provided, single submitter. Criteria: Sema4 Curation Guidelines. Collection method: curation. Allele origin: germline.
Comment: The APC c.7984G>C (p.E2662Q) variant has not been reported in the literature to our knowledge. It was observed in 1/34570 chromosomes of the Latino subpopulation in the large and broad cohorts of the Genome Aggregation Database (PMID: 32461654), but has not been reported in ClinVar. Functional studies have not been performed, and in silico predictions of the variant's effect on protein function are inconclusive. The evidence is insufficient to meet ACMG/AMP criteria for classifying the variant as benign or pathogenic. Thus, the clinical significance of this variant is currently uncertain.